The following is an entry in ClinVar:

NM_213599.3(ANO5):c.1181-1G>T

Gene: ANO5 (anoctamin 5; plus strand). Cytogenetic location: 11p14.3.
Variant type: single nucleotide variant.
Coding change: c.1181-1G>T on transcript NM_213599.3 (MANE Select); the canonical splice acceptor site of the intron before coding-DNA position 1181, G replaced by T.
Molecular consequence: splice acceptor variant.
Genome position (GRCh38, 1-based): chr11:22,255,370, G>T. VCF-style: chr11-22255370-G-T. GRCh37 (hg19) VCF-style: chr11-22276916-G-T.
Other names: c.1139-1G>T (NM_001410963.1); c.1178-1G>T (NM_001142649.2); c.1136-1G>T (NM_001410964.1).
Identifiers: ClinVar variation 3753765 (VCV003753765.2).

ClinVar aggregate classification (germline): Likely pathogenic (1 of 4 stars; one submission).

Conditions:
Gnathodiaphyseal dysplasia (GDD). Also called: GNATHODIAPHYSEAL SCLEROSIS; OSTEOGENESIS IMPERFECTA WITH UNUSUAL SKELETAL LESIONS. Identifiers: Orphanet 53697, MedGen C1833736, MONDO:0008151, OMIM 166260.
Autosomal recessive limb-girdle muscular dystrophy type 2L (LGMDR12). Also called: Limb-girdle muscular dystrophy, type 2L; MUSCULAR DYSTROPHY, LIMB-GIRDLE, AUTOSOMAL RECESSIVE 12; Limb-Girdle Muscular Dystrophy R12 Anoctamin-5-Related (LGMD-R12). Identifiers: Orphanet 206549, MedGen C1969785, MONDO:0012652, OMIM 611307.

Submission:

Labcorp Genetics (formerly Invitae), Labcorp
Classification: Likely pathogenic for Autosomal recessive limb-girdle muscular dystrophy type 2L; Gnathodiaphyseal dysplasia. Last evaluated: 2024-08-05. Review status: criteria provided, single submitter. Criteria: Invitae Variant Classification Sherloc (09022015). Collection method: clinical testing. Allele origin: germline.
Comment: This sequence change affects an acceptor splice site in intron 12 of the ANO5 gene. It is expected to disrupt RNA splicing. Variants that disrupt the donor or acceptor splice site typically lead to a loss of protein function (PMID: 16199547), and loss-of-function variants in ANO5 are known to be pathogenic (PMID: 21186264, 23606453, 25891276, 30919934). This variant is not present in population databases (gnomAD no frequency). This variant has not been reported in the literature in individuals affected with ANO5-related conditions. Algorithms developed to predict the effect of sequence changes on RNA splicing suggest that this variant may disrupt the consensus splice site. In summary, the currently available evidence indicates that the variant is pathogenic, but additional data are needed to prove that conclusively. Therefore, this variant has been classified as Likely Pathogenic.

Literature cited by the submitters: PubMed 16199547; PubMed 21186264; PubMed 23606453; PubMed 25891276; PubMed 30919934.